The following is an entry in ClinVar:

ClinVar aggregate classification (germline): Uncertain significance (1 of 4 stars; one submission).

gnomAD v4.1: 15 of 1,610,068 alleles (0.00093%); highest among the groups gnomAD compares: African/African-American, 0.02%; no homozygotes.

Submission:

Labcorp Genetics (formerly Invitae), Labcorp
Classification: Uncertain significance. Last evaluated: 2024-03-20. Review status: criteria provided, single submitter. Criteria: Invitae Variant Classification Sherloc (09022015). Collection method: clinical testing. Allele origin: germline.
Comment: This sequence change replaces aspartic acid, which is acidic and polar, with asparagine, which is neutral and polar, at codon 493 of the WDR36 protein (p.Asp493Asn). This variant is present in population databases (rs150350973, gnomAD 0.04%). This variant has not been reported in the literature in individuals affected with WDR36-related conditions. Advanced modeling of protein sequence and biophysical properties (such as structural, functional, and spatial information, amino acid conservation, physicochemical variation, residue mobility, and thermodynamic stability) performed at Invitae indicates that this missense variant is not expected to disrupt WDR36 protein function with a negative predictive value of 80%. In summary, the available evidence is currently insufficient to determine the role of this variant in disease. Therefore, it has been classified as a Variant of Uncertain Significance.

NM_139281.3(WDR36):c.1309G>A (p.Asp437Asn)

Gene: WDR36 (WD repeat domain 36; plus strand). Cytogenetic location: 5q22.1.
Variant type: single nucleotide variant.
Coding change: c.1309G>A on transcript NM_139281.3 (MANE Select); coding-DNA position 1309, G replaced by A.
Protein change: p.Asp437Asn; replaces aspartic acid 437 with asparagine.
Molecular consequence: missense variant.
Genome position (GRCh38, 1-based): chr5:111,107,422, G>A. VCF-style: chr5-111107422-G-A. GRCh37 (hg19) VCF-style: chr5-110443121-G-A.
Other names: short protein forms D437N.
Identifiers: ClinVar variation 3611445 (VCV003611445.2).